The following is an entry in ClinVar:

NM_152703.5(SAMD9L):c.2746A>T (p.Ser916Cys)

Gene: SAMD9L (sterile alpha motif domain containing 9 like; minus strand). Cytogenetic location: 7q21.2.
Variant type: single nucleotide variant.
Coding change: c.2746A>T on transcript NM_152703.5 (MANE Select); coding-DNA position 2746, A replaced by T.
Protein change: p.Ser916Cys; replaces serine 916 with cysteine.
Molecular consequence: missense variant.
Genome position (GRCh38, 1-based): chr7:93,133,226, T>A on the plus strand (A>T on the coding strand, the complement: SAMD9L is on the minus strand). VCF-style: chr7-93133226-T-A. GRCh37 (hg19) VCF-style: chr7-92762539-T-A.
Other names: c.2746A>T, p.Ser916Cys (NM_001303497.3, NM_001303498.3, NM_001303500.3 and 5 more transcripts); short protein forms S916C.
Identifiers: ClinVar variation 4844800 (VCV004844800.1).

ClinVar aggregate classification (germline): Uncertain significance (1 of 4 stars; one submission).

Conditions:
Inborn genetic diseases. Identifiers: MedGen C0950123, MeSH D030342.

Submission:

Ambry Genetics
Classification: Uncertain significance for Inborn genetic diseases. Last evaluated: 2026-01-18. Review status: criteria provided, single submitter. Criteria: Ambry Variant Classification Scheme 2023. Collection method: clinical testing. Allele origin: germline.
Comment: The p.S916C variant (also known as c.2746A>T), located in coding exon 1 of the SAMD9L gene, results from an A to T substitution at nucleotide position 2746. The serine at codon 916 is replaced by cysteine, an amino acid with dissimilar properties. This amino acid position is conserved. In addition, this alteration is predicted to be tolerated by in silico analysis. Based on the available evidence, the clinical significance of this variant remains unclear.